The following is an entry in ClinVar:

NM_206933.4(USH2A):c.12509_12510delinsCAGA (p.Ser4170fs)

Gene: USH2A (usherin; minus strand). Cytogenetic location: 1q41.
Variant type: Indel.
Coding change: c.12509_12510delinsCAGA on transcript NM_206933.4 (MANE Select); coding-DNA positions 12509 to 12510, GT replaced by CAGA.
Protein change: p.Ser4170fs; shifts the reading frame from serine 4170.
Molecular consequence: frameshift variant.
Genome position (GRCh38, 1-based): chr1:215,675,401-215,675,402, AC replaced by TCTG on the plus strand (GT replaced by CAGA on the coding strand, the reverse complement: USH2A is on the minus strand). VCF-style: chr1-215675401-AC-TCTG. GRCh37 (hg19) VCF-style: chr1-215848743-AC-TCTG.
Other names: short protein forms S4170fs.
Identifiers: ClinVar variation 4817087 (VCV004817087.1).

ClinVar aggregate classification (germline): Likely pathogenic (1 of 4 stars; one submission).

Conditions:
Usher syndrome type 2A. Also called: RETINAL DISEASE IN USHER SYNDROME TYPE IIA, MODIFIER OF; USHER SYNDROME, TYPE IIA. Identifiers: Orphanet 231178, Orphanet 886, MedGen C1848634, MONDO:0010169, OMIM 276901.

Submission:

Natera, Inc.
Classification: Likely pathogenic for Usher syndrome type 2A. Last evaluated: 2024-08-05. Review status: criteria provided, single submitter. Criteria: Natera Variant Classification Schema (03/2026). Collection method: clinical testing. Allele origin: germline.
Comment: The c.12509_12510delinsCAGA variant in USH2A is a frameshift variant predicted to shift the reading frame beginning at codon 4170 and leads to a stop codon 5 codons downstream. This variant is expected to result in nonsense mediated decay, truncation, or a dysfunctional protein product. This variant is rare in the general population with a frequency below the threshold expected for the associated phenotype(s). Given the available evidence, this variant is classified as Likely Pathogenic.